The following is an entry in ClinVar:

ClinVar aggregate classification (germline): Pathogenic (1 of 4 stars; one submission).

Conditions:
Peroxisome biogenesis disorder. Identifiers: Orphanet 79189, MedGen C1832200, MONDO:0019234. Disease mechanism: loss of function.

Submission:

Labcorp Genetics (formerly Invitae), Labcorp
Classification: Pathogenic for Peroxisome biogenesis disorder. Last evaluated: 2025-03-31. Review status: criteria provided, single submitter. Criteria: Invitae Variant Classification Sherloc (09022015). Collection method: clinical testing. Allele origin: germline.
Comment: This sequence change creates a premature translational stop signal (p.Gln584*) in the PEX6 gene. It is expected to result in an absent or disrupted protein product. Loss-of-function variants in PEX6 are known to be pathogenic (PMID: 10408779, 21031596, 31831025). This variant is not present in population databases (gnomAD no frequency). This variant has not been reported in the literature in individuals affected with PEX6-related conditions. ClinVar contains an entry for this variant (Variation ID: 2818402). Algorithms developed to predict the effect of sequence changes on RNA splicing suggest that this variant may disrupt the consensus splice site. For these reasons, this variant has been classified as Pathogenic.

Literature cited by the submitters: PubMed 10408779; PubMed 21031596; PubMed 31831025.

NM_000287.4(PEX6):c.1750C>T (p.Gln584Ter)

Gene: PEX6 (peroxisomal biogenesis factor 6; minus strand). Cytogenetic location: 6p21.1.
Variant type: single nucleotide variant.
Coding change: c.1750C>T on transcript NM_000287.4 (MANE Select); coding-DNA position 1750, C replaced by T.
Protein change: p.Gln584Ter; replaces glutamine 584 with a stop codon.
Molecular consequence: nonsense. On other transcripts: non-coding transcript variant (1).
Genome position (GRCh38, 1-based): chr6:42,967,502, G>A on the plus strand (C>T on the coding strand, the complement: PEX6 is on the minus strand). VCF-style: chr6-42967502-G-A. GRCh37 (hg19) VCF-style: chr6-42935240-G-A.
Other names: c.1486C>T, p.Gln496Ter (NM_001316313.2); short protein forms Q496*, Q584*.
Identifiers: ClinVar variation 2818402 (VCV002818402.3), dbSNP rs2481217985, ClinGen allele CA364153755.
Genomic context (GRCh38, chr6:42,967,502, plus strand): 5'-TGCTGAGCCGCTGCCCCTCTGACAGAGCAGGCACCTCGAGCTCATGAGGAAATGCTGTCT[G>A]CACATCAGCAGGCAGGTCCTGGGCCCGGCTTGTGGTGGCCACAACCATGAGGGGAGGGCA-3'